The following is an entry in ClinVar:

NM_001567.4(INPPL1):c.2971G>A (p.Gly991Arg)

Gene: INPPL1 (inositol polyphosphate phosphatase like 1; plus strand). Cytogenetic location: 11q13.4.
Variant type: single nucleotide variant.
Coding change: c.2971G>A on transcript NM_001567.4 (MANE Select); coding-DNA position 2971, G replaced by A.
Protein change: p.Gly991Arg; replaces glycine 991 with arginine.
Molecular consequence: missense variant.
Genome position (GRCh38, 1-based): chr11:72,237,215, G>A. VCF-style: chr11-72237215-G-A. GRCh37 (hg19) VCF-style: chr11-71948259-G-A.
Other names: short protein forms G991R.
Identifiers: ClinVar variation 1514492 (VCV001514492.6), dbSNP rs2135446415, ClinGen allele CA381737323.

ClinVar aggregate classification (germline): Uncertain significance (1 of 4 stars; one submission).

Submission:

Labcorp Genetics (formerly Invitae), Labcorp
Classification: Uncertain significance. Last evaluated: 2022-08-09. Review status: criteria provided, single submitter. Criteria: Invitae Variant Classification Sherloc (09022015). Collection method: clinical testing. Allele origin: germline.
Comment: This variant is not present in population databases (gnomAD no frequency). This variant has not been reported in the literature in individuals affected with INPPL1-related conditions. ClinVar contains an entry for this variant (Variation ID: 1514492). Algorithms developed to predict the effect of missense changes on protein structure and function are either unavailable or do not agree on the potential impact of this missense change (SIFT: "Deleterious"; PolyPhen-2: "Probably Damaging"; Align-GVGD: "Class C0"). Algorithms developed to predict the effect of sequence changes on RNA splicing suggest that this variant may create or strengthen a splice site. In summary, the available evidence is currently insufficient to determine the role of this variant in disease. Therefore, it has been classified as a Variant of Uncertain Significance. This sequence change replaces glycine, which is neutral and non-polar, with arginine, which is basic and polar, at codon 991 of the INPPL1 protein (p.Gly991Arg).